The following is an entry in ClinVar:

NM_000059.4(BRCA2):c.2956AAT[1] (p.Asn987del)

Gene: BRCA2 (BRCA2 DNA repair associated; plus strand). Cytogenetic location: 13q13.1.
Variant type: Microsatellite.
Coding change: c.2956AAT[1] on transcript NM_000059.4 (MANE Select); one copy of the 3-base unit AAT starting at c.2956; the reference has two copies in a row; one copy, 3 bases deleted; also written c.2959_2961del.
Protein change: p.Asn987del; deletes asparagine 987.
Molecular consequence: inframe deletion.
Genome position (GRCh38, 1-based): chr13:32,337,314-32,337,316, AAT deleted; deleting any 3 consecutive bases within chr13:32,337,311-32,337,316 gives the same sequence; the position shown is the placement nearest the transcript's 3' end. VCF-style (leftmost placement, unchanged base first): chr13-32337310-AAAT-A. GRCh37 (hg19) VCF-style: chr13-32911447-AAAT-A.
Other names: c.2959_2961delAAT (NM_000059.3); c.2959_2961del (NM_000059.4); short protein forms N987del.
Identifiers: ClinVar variation 182310 (VCV000182310.17), dbSNP rs730881603, ClinGen allele CA016908.
Genomic context (GRCh38, chr13:32,337,310, plus strand): 5'-GACTCTAGGTCAAGATTTAAAATCGGACATCTCCTTGAATATAGATAAAATACCAGAAAA[AAAT>A]AATGATTACATGAACAAATGGGCAGGACTCTTAGGTCCAATTTCAAATCACAGTTTTGGA-3'

ClinVar aggregate classification (germline): Uncertain significance. Review status: criteria provided, multiple submitters, no conflicts (2 of 4 stars). 6 submissions from 6 submitters: Uncertain significance (6). Last evaluated 2025-09-05.

Conditions:
Hereditary cancer-predisposing syndrome. Also called: Tumor predisposition; Hereditary Cancer Syndrome; Hereditary neoplastic syndrome; Neoplastic Syndromes, Hereditary. Identifiers: Orphanet 140162, MedGen C0027672, MeSH D009386, MONDO:0015356.
Hereditary breast ovarian cancer syndrome. Also called: Hereditary breast and ovarian cancer syndrome (HBOC); BRCA1- and BRCA2-Associated Hereditary Breast and Ovarian Cancer; Hereditary breast and/or ovarian cancer syndrome; Breast and ovarian cancer; Hereditary breast and ovarian cancer syndrome; Hereditary breast and ovarian cancer. Identifiers: Orphanet 145, MedGen C0677776, MeSH D061325, MONDO:0003582. Disease mechanism: loss of function.

Submissions (6):

Color Diagnostics, LLC DBA Color Health
Classification: Uncertain significance for Hereditary cancer-predisposing syndrome. Last evaluated: 2025-09-05. Review status: criteria provided, single submitter. Criteria: ACMG Guidelines, 2015. Collection method: clinical testing. Allele origin: germline.
Comment: This variant causes an in-frame deletion of asparagine at codon 987 in the BRCA2 protein. To our knowledge, functional studies have not been reported for this variant. This variant has not been reported in individuals affected with BRCA2-related disorders in the literature. This variant has not been identified in the general population by the Genome Aggregation Database (gnomAD). The available evidence is insufficient to determine the role of this variant in disease conclusively. Therefore, this variant is classified as a Variant of Uncertain Significance.

Labcorp Genetics (formerly Invitae), Labcorp
Classification: Uncertain significance for Hereditary breast ovarian cancer syndrome. Last evaluated: 2023-10-10. Review status: criteria provided, single submitter. Criteria: Invitae Variant Classification Sherloc (09022015). Collection method: clinical testing. Allele origin: germline.
Comment: This variant, c.2959_2961del, results in the deletion of 1 amino acid(s) of the BRCA2 protein (p.Asn987del), but otherwise preserves the integrity of the reading frame. This variant is not present in population databases (gnomAD no frequency). This variant has not been reported in the literature in individuals affected with BRCA2-related conditions. ClinVar contains an entry for this variant (Variation ID: 182310). Experimental studies and prediction algorithms are not available or were not evaluated, and the functional significance of this variant is currently unknown. In summary, the available evidence is currently insufficient to determine the role of this variant in disease. Therefore, it has been classified as a Variant of Uncertain Significance.

Ambry Genetics
Classification: Uncertain significance for Hereditary cancer-predisposing syndrome. Last evaluated: 2023-01-10. Review status: criteria provided, single submitter. Criteria: Ambry Variant Classification Scheme 2023. Collection method: clinical testing. Allele origin: germline.
Comment: The c.2959_2961delAAT variant (also known as p.N987del) is located in coding exon 10 of the BRCA2 gene. This variant results from an in-frame AAT deletion at nucleotide positions 2959 to 2961. This results in the in-frame deletion of a asparagine residue at codon 987. This amino acid position is not well conserved in available vertebrate species. In addition, this alteration is predicted to be deleterious by in silico analysis (Choi Y et al. PLoS ONE. 2012; 7(10):e46688). Since supporting evidence is limited at this time, the clinical significance of this alteration remains unclear.

Quest Diagnostics Nichols Institute San Juan Capistrano
Classification: Uncertain significance. Last evaluated: 2020-09-21. Review status: criteria provided, single submitter. Criteria: Quest Diagnostics criteria. Collection method: clinical testing. Allele origin: unknown.

Blueprint Genetics
Classification: Uncertain significance. Last evaluated: 2019-06-24. Review status: criteria provided, single submitter. Criteria: ACMG Guidelines, 2015. Collection method: clinical testing. Allele origin: germline.

GeneDx
Classification: Uncertain significance. Last evaluated: 2018-03-07. Review status: criteria provided, single submitter. Criteria: GeneDx Variant Classification (06012015). Collection method: clinical testing. Allele origin: germline. Affected: yes.
Comment: This in-frame deletion of three nucleotides in BRCA2 is denoted c.2959_2961delAAT at the cDNA level and p.Asn987del (N987del) at the protein level. The normal sequence, with the bases that are deleted in brackets, is AAAT[delAAT]GATT. This variant has not, to our knowledge, been published in the literature as pathogenic or benign. This variant was not observed in large population cohorts (Lek 2016). This deletion of a single Asparagine amino acid is not located in a known functional domain. In-silico analysis, which includes protein predictors and evolutionary conservation, supports a deleterious effect. Since in-frame deletions may or may not inhibit proper protein functioning, the clinical significance of this finding remains unclear at this time. We consider BRCA2 Asn987del to be a variant of uncertain significance.

Literature cited by the submitters: PubMed 30185652 (cited by Quest Diagnostics Nichols Institute San Juan Capistrano).